The following is an entry in ClinVar:

NM_000142.5(FGFR3):c.2183G>A (p.Arg728Gln)

Gene: FGFR3 (fibroblast growth factor receptor 3; plus strand). Cytogenetic location: 4p16.3.
Variant type: single nucleotide variant.
Coding change: c.2183G>A on transcript NM_000142.5 (MANE Select); coding-DNA position 2183, G replaced by A.
Protein change: p.Arg728Gln; replaces arginine 728 with glutamine.
Molecular consequence: missense variant. On other transcripts: synonymous variant (1), non-coding transcript variant (1).
Genome position (GRCh38, 1-based): chr4:1,806,843, G>A. VCF-style: chr4-1806843-G-A. GRCh37 (hg19) VCF-style: chr4-1808570-G-A.
Other names: c.2183G>A (NM_000142.4); c.2189G>A, p.Arg730Gln (NM_001163213.2); c.2186G>A, p.Arg729Gln (NM_001354809.2); c.2115G>A, p.Ala705= (NM_001354810.2); c.1847G>A, p.Arg616Gln (NM_022965.4); short protein forms R728Q, R730Q, R616Q, R729Q.
Identifiers: ClinVar variation 290056 (VCV000290056.16), dbSNP rs149924317, ClinGen allele CA2810770.

ClinVar aggregate classification (germline): Uncertain significance. Review status: criteria provided, multiple submitters, no conflicts (2 of 4 stars). 6 submissions from 6 submitters: Uncertain significance (6). Last evaluated 2025-05-12.

Conditions:
FGFR3-related disorder. Also called: FGFR3-related disorders.
Inborn genetic diseases. Identifiers: MedGen C0950123, MeSH D030342.
Muenke syndrome (MNKES). Also called: MUENKE NONSYNDROMIC CORONAL CRANIOSYNOSTOSIS. Identifiers: Orphanet 53271, MedGen C1864436, MONDO:0011274, OMIM 602849.

Allele frequency attached by ClinVar (database versions not stated): gnomAD 0.00002; gnomAD exomes 0.00003 and 0.00009; TOPMed 0.00005; ExAC 0.00006; ESP Exome Variant Server 0.00015.

Submissions (6):

Labcorp Genetics (formerly Invitae), Labcorp
Classification: Uncertain significance. Last evaluated: 2025-05-12. Review status: criteria provided, single submitter. Criteria: Invitae Variant Classification Sherloc (09022015). Collection method: clinical testing. Allele origin: germline.
Comment: This sequence change replaces arginine, which is basic and polar, with glutamine, which is neutral and polar, at codon 728 of the FGFR3 protein (p.Arg728Gln). This variant is present in population databases (rs149924317, gnomAD 0.008%). This variant has not been reported in the literature in individuals affected with FGFR3-related conditions. ClinVar contains an entry for this variant (Variation ID: 290056). Invitae Evidence Modeling of protein sequence and biophysical properties (such as structural, functional, and spatial information, amino acid conservation, physicochemical variation, residue mobility, and thermodynamic stability) has been performed for this missense variant. However, the output from this modeling did not meet the statistical confidence thresholds required to predict the impact of this variant on FGFR3 protein function. In summary, the available evidence is currently insufficient to determine the role of this variant in disease. Therefore, it has been classified as a Variant of Uncertain Significance.

PreventionGenetics, part of Exact Sciences
Classification: Uncertain significance for FGFR3-related condition. Last evaluated: 2024-12-26. Review status: criteria provided, single submitter. Criteria: ACMG Guidelines, 2015. Collection method: clinical testing. Allele origin: germline.
Comment: The FGFR3 c.2183G>A variant is predicted to result in the amino acid substitution p.Arg728Gln. To our knowledge, this variant has not been reported in the literature. This variant is reported in 0.0075% of alleles in individuals of European (Non-Finnish) descent in gnomAD. At this time, the clinical significance of this variant is uncertain due to the absence of conclusive functional and genetic evidence.

Ambry Genetics
Classification: Uncertain significance for Inborn genetic diseases. Last evaluated: 2022-11-14. Review status: criteria provided, single submitter. Criteria: Ambry Variant Classification Scheme 2023. Collection method: clinical testing. Allele origin: germline.

Victorian Clinical Genetics Services, Murdoch Childrens Research Institute
Classification: Uncertain significance for Muenke syndrome. Last evaluated: 2021-05-06. Review status: criteria provided, single submitter. Criteria: ACMG Guidelines, 2015. Collection method: clinical testing. Allele origin: germline. Inheritance: Autosomal dominant inheritance. Affected: yes.
Comment: Based on the classification scheme VCGS_Germline_v1.3.4, this variant is classified as VUS-3B. Following criteria are met: 0103 - Both gain and loss of function are known mechanisms of disease in this gene. Gain of function variants in this gene have been associated with autosomal dominant skeletal dysplasias, while loss of function variants have been associated with autosomal recessive CATSHL syndrome (PMID: 25614871). The disease mechanism for autosomal dominant LADD syndrome is not clearly established. (I) 0108 - This gene is associated with both recessive and dominant disease (OMIM). (I) 0115 - Variants in this gene are known to have variable expressivity. There is a wide range of clinical symptoms with variable expressivity in LADD syndrome patients, even within the same family (PMID: 16501574). (I) 0200 - Variant is predicted to result in a missense amino acid change from arginine to glutamine. (I) 0251 - This variant is heterozygous. (I) 0302 - Variant is present in gnomAD (v2) <0.001 for a dominant condition (8 heterozygotes, 0 homozygotes). (SP) 0309 - An alternative amino acid change at the same position has been observed in gnomAD (v2) (2 heterozygotes, 0 homozygotes). (I) 0502 - Missense variant with conflicting in silico predictions and uninformative conservation. (I) 0600 - Variant is located in the annotated kinase domain (Uniprot). (I) 0705 - No comparable missense variants have previous evidence for pathogenicity. (I) 0809 - Previous evidence of pathogenicity for this variant is inconclusive. This variant has been reported once as a VUS (ClinVar). (I) 0905 - No published segregation evidence has been identified for this variant. (I) 1007 - No published functional evidence has been identified for this variant. (I) 1208 - Inheritance information for this variant is not currently available in this individual. (I) Legend: (SP) - Supporting pathogenic, (I) - Information, (SB) - Supporting benign

Eurofins Ntd Llc (ga)
Classification: Uncertain significance. Last evaluated: 2016-08-31. Review status: criteria provided, single submitter. Criteria: EGL Classification Definitions 2015. Collection method: clinical testing. Allele origin: germline. Observed: 1 variant allele, 1 heterozygote.

Breakthrough Genomics
Classification: Uncertain significance. Review status: criteria provided, single submitter. Criteria: ACMG Guidelines, 2015. Collection method: not provided. Allele origin: germline. Inheritance: Autosomal recessive inheritance. Affected: yes.

Literature cited by the submitters: PubMed 16501574 (cited by Victorian Clinical Genetics Services, Murdoch Childrens Research Institute); PubMed 25614871 (cited by Victorian Clinical Genetics Services, Murdoch Childrens Research Institute).